The following is an entry in ClinVar:

ClinVar aggregate classification (germline): Uncertain significance. Review status: criteria provided, multiple submitters, no conflicts (2 of 4 stars). 2 submissions from 2 submitters: Uncertain significance (2). Last evaluated 2025-11-26.

Conditions:
Inborn genetic diseases. Identifiers: MedGen C0950123, MeSH D030342.

Allele frequency attached by ClinVar (database versions not stated): TOPMed 0.00002; gnomAD 0.00002.
gnomAD v4.1: 3 of 1,611,862 alleles (0.00019%); highest among the groups gnomAD compares: African/African-American, 0.004%; no homozygotes.

Submissions (2):

Ambry Genetics
Classification: Uncertain significance for Inborn genetic diseases. Last evaluated: 2025-11-26. Review status: criteria provided, single submitter. Criteria: Ambry Variant Classification Scheme 2023. Collection method: clinical testing. Allele origin: germline.

GeneDx
Classification: Uncertain significance. Last evaluated: 2023-10-20. Review status: criteria provided, single submitter. Criteria: GeneDx Variant Classification Process June 2021. Collection method: clinical testing. Allele origin: germline. Affected: yes.
Comment: Not observed at significant frequency in large population cohorts (gnomAD); In silico analysis supports that this missense variant has a deleterious effect on protein structure/function; Has not been previously published as pathogenic or benign to our knowledge

NM_021971.4(GMPPB):c.1037A>C (p.His346Pro)

Gene: GMPPB (GDP-mannose pyrophosphorylase B; minus strand). Cytogenetic location: 3p21.31.
Variant type: single nucleotide variant.
Coding change: c.1037A>C on transcript NM_021971.4 (MANE Select); coding-DNA position 1037, A replaced by C.
Protein change: p.His346Pro; replaces histidine 346 with proline.
Molecular consequence: missense variant.
Genome position (GRCh38, 1-based): chr3:49,721,798, T>G on the plus strand (A>C on the coding strand, the complement: GMPPB is on the minus strand). VCF-style: chr3-49721798-T-G. GRCh37 (hg19) VCF-style: chr3-49759231-T-G.
Other names: c.1118A>C (NM_013334.2); c.1118A>C, p.His373Pro (NM_013334.4); short protein forms H346P, H373P.
Identifiers: ClinVar variation 3253403 (VCV003253403.2), dbSNP rs1472157050.